The following is an entry in ClinVar:

ClinVar aggregate classification (germline): Uncertain significance. Review status: criteria provided, multiple submitters, no conflicts (2 of 4 stars). 2 submissions from 2 submitters: Uncertain significance (2). Last evaluated 2021-09-15.

Conditions:
Early-onset myopathy with fatal cardiomyopathy (CMYO5). Also called: Salih Myopathy; CONGENITAL MYOPATHY 5 WITH CARDIOMYOPATHY. Identifiers: Orphanet 289377, MedGen C2673677, MONDO:0012714, OMIM 611705. Disease mechanism: loss of function.
Hypertrophic cardiomyopathy 9. Also called: Familial hypertrophic cardiomyopathy 9. Identifiers: MedGen C1861065, MONDO:0013412, OMIM 613765.
Autosomal recessive limb-girdle muscular dystrophy type 2J (LGMDR10). Also called: Limb-girdle muscular dystrophy, type 2J; MUSCULAR DYSTROPHY, LIMB-GIRDLE, AUTOSOMAL RECESSIVE 10. Identifiers: Orphanet 140922, MedGen C1837342, MONDO:0012127, OMIM 608807.
Tibial muscular dystrophy (TMD). Also called: UDD MYOPATHY; Udd Distal Myopathy – Tibial Muscular Dystrophy; Tibial muscular dystrophy, tardive. Identifiers: Orphanet 609, MedGen C1838244, MONDO:0010870, OMIM 600334.
Myopathy, myofibrillar, 9, with early respiratory failure (MFM9). Also called: MYOPATHY, PROXIMAL, WITH EARLY RESPIRATORY MUSCLE INVOLVEMENT; Hereditary myopathy with early respiratory failure; EDSTROM MYOPATHY; Myopathy, distal, with early respiratory failure, autosomal dominant. Identifiers: Orphanet 178464, Orphanet 34521, MedGen C1863599, MONDO:0011362, OMIM 603689.
Dilated cardiomyopathy 1G (CMD1G). Identifiers: Orphanet 154, MedGen C1858763, MONDO:0011400, OMIM 604145.

Submissions (2):

Fulgent Genetics
Classification: Uncertain significance for Tibial muscular dystrophy; Myopathy, myofibrillar, 9, with early respiratory failure; Dilated cardiomyopathy 1G; Autosomal recessive limb-girdle muscular dystrophy type 2J; Early-onset myopathy with fatal cardiomyopathy; Hypertrophic cardiomyopathy 9. Last evaluated: 2021-09-15. Review status: criteria provided, single submitter. Criteria: ACMG Guidelines, 2015. Collection method: clinical testing. Allele origin: unknown.

Labcorp Genetics (formerly Invitae), Labcorp
Classification: Uncertain significance for Dilated cardiomyopathy 1G; Autosomal recessive limb-girdle muscular dystrophy type 2J. Last evaluated: 2019-12-06. Review status: criteria provided, single submitter. Criteria: Invitae Variant Classification Sherloc (09022015). Collection method: clinical testing. Allele origin: germline.
Comment: Algorithms developed to predict the effect of missense changes on protein structure and function are unavailable for the TTN gene. This variant is located in the M band of TTN (PMID: 25589632). Variants in this region may be relevant for neuromuscular disorders, but have not been definitively shown to cause cardiomyopathy (PMID: 23975875). This variant is not present in population databases (ExAC no frequency). This variant has not been reported in the literature in individuals with TTN-related conditions. In summary, the available evidence is currently insufficient to determine the role of this variant in disease. Therefore, it has been classified as a Variant of Uncertain Significance. This sequence change replaces methionine with arginine at codon 34580 of the TTN protein (p.Met34580Arg). There is a moderate physicochemical difference between methionine and arginine.

Literature cited by the submitters: PubMed 25589632 (cited by Labcorp Genetics (formerly Invitae), Labcorp); PubMed 23975875 (cited by Labcorp Genetics (formerly Invitae), Labcorp).

NM_001267550.2(TTN):c.103739T>G (p.Met34580Arg)

Genes: TTN-AS1 (TTN antisense RNA 1; plus strand), TTN (titin; minus strand). Cytogenetic location: 2q31.2.
Variant type: single nucleotide variant.
Coding change: c.103739T>G on transcript NM_001267550.2 (MANE Select); coding-DNA position 103739, T replaced by G.
Protein change: p.Met34580Arg; replaces methionine 34580 with arginine.
Molecular consequence: missense variant.
Genome position (GRCh38, 1-based): chr2:178,532,876, A>C on the plus strand (T>G on the coding strand, the complement: TTN is on the minus strand). VCF-style: chr2-178532876-A-C. GRCh37 (hg19) VCF-style: chr2-179397603-A-C.
Other names: c.98816T>G, p.Met32939Arg (NM_001256850.1); c.76544T>G, p.Met25515Arg (NM_003319.4); c.96035T>G, p.Met32012Arg (NM_133378.4); c.76919T>G, p.Met25640Arg (NM_133432.3); c.77120T>G, p.Met25707Arg (NM_133437.4); short protein forms M25515R, M25640R, M25707R, M32012R, M32939R, M34580R.
Identifiers: ClinVar variation 838285 (VCV000838285.9), dbSNP rs775137392, ClinGen allele CA349413610.